The following is an entry in ClinVar:

ClinVar aggregate classification (germline): Uncertain significance (1 of 4 stars; one submission).

Allele frequency attached by ClinVar (database versions not stated): 1000 Genomes Project 30x 0.00016; 1000 Genomes Project 0.00020.
gnomAD v4.1: 20 of 1,459,960 alleles (0.0014%); highest among the groups gnomAD compares: Middle Eastern, 0.018%; no homozygotes.

Submission:

Labcorp Genetics (formerly Invitae), Labcorp
Classification: Uncertain significance. Last evaluated: 2025-08-04. Review status: criteria provided, single submitter. Criteria: Invitae Variant Classification Sherloc (09022015). Collection method: clinical testing. Allele origin: germline.
Comment: This sequence change falls in intron 5 of the PDE2A gene. It does not directly change the encoded amino acid sequence of the PDE2A protein. This variant is present in population databases (rs369319916, gnomAD 0.01%). This variant has not been reported in the literature in individuals affected with PDE2A-related conditions. ClinVar contains an entry for this variant (Variation ID: 1948540). Algorithms developed to predict the effect of sequence changes on RNA splicing suggest that this variant may disrupt the consensus splice site. In summary, the available evidence is currently insufficient to determine the role of this variant in disease. Therefore, it has been classified as a Variant of Uncertain Significance.

NM_002599.5(PDE2A):c.434-6C>A

Gene: PDE2A (phosphodiesterase 2A; minus strand). Cytogenetic location: 11q13.4.
Variant type: single nucleotide variant.
Coding change: c.434-6C>A on transcript NM_002599.5 (MANE Select); 6 bases into the intron before coding-DNA position 434, C replaced by A.
Molecular consequence: intron variant.
Genome position (GRCh38, 1-based): chr11:72,596,654, G>T on the plus strand (C>A on the coding strand, the complement: PDE2A is on the minus strand). VCF-style: chr11-72596654-G-T. GRCh37 (hg19) VCF-style: chr11-72307698-G-T.
Other names: c.407-6C>A (NM_001146209.3); c.413-6C>A (NM_001143839.4); c.371-6C>A (NM_001243784.2).
Identifiers: ClinVar variation 1948540 (VCV001948540.5), dbSNP rs369319916, ClinGen allele CA6172572.